The following is an entry in ClinVar:

ClinVar aggregate classification (germline): Benign/Likely benign. Review status: criteria provided, multiple submitters, no conflicts (2 of 4 stars). 5 submissions from 5 submitters: Benign (1); Likely benign (4). Last evaluated 2026-02-01.

Conditions:
Malignant hyperthermia, susceptibility to, 1 (MHS1). Also called: Anesthesia related hyperthermia; Malignant hyperpyrexia; Fulminating hyperpyrexia; Pharmacogenic myopathy; RYR1-Related Malignant Hyperthermia Susceptibility; Malignant hyperthermia suceptibility 1. Identifiers: Orphanet 423, MedGen C2930980, MONDO:0007783, OMIM 145600.
RYR1-related disorder. Also called: RYR1-related disorders; RYR1-related condition. Identifiers: MedGen CN239331.

Allele frequency attached by ClinVar (database versions not stated): gnomAD 0.00002 and 0.00011; TOPMed 0.00004; gnomAD exomes 0.00048; 1000 Genomes Project 30x 0.00078; 1000 Genomes Project 0.00100.
gnomAD v4.1: 311 of 1,561,014 alleles (0.02%); highest among the groups gnomAD compares: South Asian, 0.33%; 6 homozygotes.

Submissions (5):

CeGaT Center for Human Genetics Tuebingen
Classification: Likely benign. Last evaluated: 2026-02-01. Review status: criteria provided, single submitter. Criteria: CeGaT Center For Human Genetics Tuebingen Variant Classification Criteria Version 2. Collection method: clinical testing. Allele origin: germline. Affected: yes. Observed: 1 variant allele.
Comment: RYR1: BP4, BP7

Labcorp Genetics (formerly Invitae), Labcorp
Classification: Benign for RYR1-related disorder. Last evaluated: 2025-11-23. Review status: criteria provided, single submitter. Criteria: Invitae Variant Classification Sherloc (09022015). Collection method: clinical testing. Allele origin: germline.

Blueprint Genetics
Classification: Likely benign. Last evaluated: 2024-05-13. Review status: criteria provided, single submitter. Criteria: ACMG Guidelines, 2015. Collection method: clinical testing. Allele origin: germline.

All of Us Research Program, National Institutes of Health
Classification: Likely benign for Malignant hyperthermia, susceptibility to, 1. Last evaluated: 2024-01-03. Review status: criteria provided, single submitter. Criteria: ACMG Guidelines, 2015. Collection method: clinical testing. Allele origin: germline. Inheritance: Autosomal dominant inheritance. Observed: 16 variant alleles, 16 heterozygotes.
Comment: This study involves interpretation of variants in research participants for the purpose of population health screening. Participant phenotype was not available at the time of variant classification. Additional details can be found in publication PMID: 35346344, PMCID: PMC8962531

PreventionGenetics, part of Exact Sciences
Classification: Likely benign. Review status: criteria provided, single submitter. Criteria: ACMG Guidelines, 2015. Collection method: clinical testing. Allele origin: germline.

NM_000540.3(RYR1):c.4764G>A (p.Pro1588=)

Gene: RYR1 (ryanodine receptor 1; plus strand). Cytogenetic location: 19q13.2.
Variant type: single nucleotide variant.
Coding change: c.4764G>A on transcript NM_000540.3 (MANE Select); coding-DNA position 4764, G replaced by A.
Protein change: p.Pro1588=; no amino-acid change (proline 1588 retained).
Molecular consequence: synonymous variant.
Genome position (GRCh38, 1-based): chr19:38,483,346, G>A. VCF-style: chr19-38483346-G-A. GRCh37 (hg19) VCF-style: chr19-38973986-G-A.
Other names: c.4764G>A, p.Pro1588= (NM_001042723.2).
Identifiers: ClinVar variation 256519 (VCV000256519.16), dbSNP rs531243171, ClinGen allele CA066432.